The following is an entry in ClinVar:

ClinVar aggregate classification (germline): Benign/Likely benign. Review status: criteria provided, multiple submitters, no conflicts (2 of 4 stars). 3 submissions from 3 submitters: Benign (1); Likely benign (2). Last evaluated 2025-06-16.

Conditions:
Hereditary cancer-predisposing syndrome. Also called: Tumor predisposition; Hereditary neoplastic syndrome; Neoplastic Syndromes, Hereditary; Hereditary Cancer Syndrome. Identifiers: Orphanet 140162, MedGen C0027672, MeSH D009386, MONDO:0015356.
Pheochromocytoma/paraganglioma syndrome 5. Also called: Paragangliomas 5; SDHA-Related Hereditary Paraganglioma-Pheochromocytoma Syndrome. Identifiers: Orphanet 29072, MedGen C3279992, MONDO:0013602, OMIM 614165.
Mitochondrial complex II deficiency, nuclear type 1. Also called: SUCCINATE CoQ REDUCTASE DEFICIENCY. Identifiers: Orphanet 3208, MedGen C5700310, MONDO:0100294, OMIM 252011.

gnomAD v4.1: 4 of 1,613,732 alleles (0.00025%); highest among the groups gnomAD compares: Non-Finnish European, 0.00034%; no homozygotes.

Submissions (3):

Labcorp Genetics (formerly Invitae), Labcorp
Classification: Likely benign for Pheochromocytoma/paraganglioma syndrome 5; Mitochondrial complex II deficiency, nuclear type 1. Last evaluated: 2025-06-16. Review status: criteria provided, single submitter. Criteria: Invitae Variant Classification Sherloc (09022015). Collection method: clinical testing. Allele origin: germline.

Myriad Genetics, Inc.
Classification: Benign for Pheochromocytoma/paraganglioma syndrome 5. Last evaluated: 2025-03-03. Review status: criteria provided, single submitter. Criteria: Myriad Autosomal Dominant, Autosomal Recessive and X-Linked Classification Criteria (2023). Collection method: clinical testing. Allele origin: unknown.
Comment: This variant is considered benign. This variant is a silent/synonymous amino acid change and it is not expected to impact splicing.

Ambry Genetics
Classification: Likely benign for Hereditary cancer-predisposing syndrome. Last evaluated: 2018-05-02. Review status: criteria provided, single submitter. Criteria: Ambry Variant Classification Scheme 2023. Collection method: clinical testing. Allele origin: germline.

NM_004168.4(SDHA):c.675G>A (p.Leu225=)

Gene: SDHA (succinate dehydrogenase complex flavoprotein subunit A; plus strand). Cytogenetic location: 5p15.33.
Variant type: single nucleotide variant.
Coding change: c.675G>A on transcript NM_004168.4 (MANE Select); coding-DNA position 675, G replaced by A.
Protein change: p.Leu225=; no amino-acid change (leucine 225 retained).
Molecular consequence: synonymous variant.
Genome position (GRCh38, 1-based): chr5:228,238, G>A. VCF-style: chr5-228238-G-A. GRCh37 (hg19) VCF-style: chr5-228353-G-A.
Other names: c.531G>A, p.Leu177= (NM_001294332.2); c.675G>A, p.Leu225= (NM_001330758.2).
Identifiers: ClinVar variation 826606 (VCV000826606.14), dbSNP rs1367248054, ClinGen allele CA442691322.